The following is an entry in ClinVar:

ClinVar aggregate classification (germline): Uncertain significance (0 of 4 stars; one submission).

Conditions:
PRICKLE2-related disorder. Also called: PRICKLE2-related condition.

gnomAD v4.1: 2 of 1,614,258 alleles (0.00012%); highest among the groups gnomAD compares: Non-Finnish European, 0.00017%; no homozygotes.

Submission:

PreventionGenetics, part of Exact Sciences
Classification: Uncertain significance for PRICKLE2-related condition. Last evaluated: 2024-03-21. Review status: no assertion criteria provided. Collection method: clinical testing. Allele origin: germline.
Comment: The PRICKLE2 c.926C>T variant is predicted to result in the amino acid substitution p.Ala309Val. To our knowledge, this variant has not been reported in the literature or in a large population database, indicating this variant is rare. At this time, the clinical significance of this variant is uncertain due to the absence of conclusive functional and genetic evidence.

NM_198859.4(PRICKLE2):c.926C>T (p.Ala309Val)

Gene: PRICKLE2 (prickle planar cell polarity protein 2; minus strand). Cytogenetic location: 3p14.1.
Variant type: single nucleotide variant.
Coding change: c.926C>T on transcript NM_198859.4 (MANE Select); coding-DNA position 926, C replaced by T.
Protein change: p.Ala309Val; replaces alanine 309 with valine.
Molecular consequence: missense variant.
Genome position (GRCh38, 1-based): chr3:64,147,564, G>A on the plus strand (C>T on the coding strand, the complement: PRICKLE2 is on the minus strand). VCF-style: chr3-64147564-G-A. GRCh37 (hg19) VCF-style: chr3-64133240-G-A.
Other names: c.926C>T, p.Ala309Val (NM_001370528.1); short protein forms A309V.
Identifiers: ClinVar variation 3350464 (VCV003350464.1).